The following is an entry in ClinVar:

ClinVar aggregate classification (germline): Uncertain significance (1 of 4 stars; one submission).

Submission:

GeneDx
Classification: Uncertain significance. Last evaluated: 2024-03-01. Review status: criteria provided, single submitter. Criteria: GeneDx Variant Classification Process June 2021. Collection method: clinical testing. Allele origin: germline. Affected: yes.
Comment: Not observed at significant frequency in large population cohorts (gnomAD); Frameshift variant predicted to result in abnormal protein length as the last 52 amino acids are replaced with 5 different amino acids; Has not been previously published as pathogenic or benign to our knowledge

NM_007055.4(POLR3A):c.4016_4017del (p.Ser1339fs)

Gene: POLR3A (RNA polymerase III subunit A; minus strand). Cytogenetic location: 10q22.3.
Variant type: Microsatellite.
Coding change: c.4016_4017del on transcript NM_007055.4 (MANE Select); coding-DNA positions 4016 to 4017, 2 bases deleted (CT; older notation c.4016_4017delCT).
Protein change: p.Ser1339fs; shifts the reading frame from serine 1339.
Molecular consequence: frameshift variant.
Genome position (GRCh38, 1-based): chr10:77,980,148-77,980,149, AG deleted on the plus strand (CT on the coding strand, the reverse complement: POLR3A is on the minus strand); deleting any 2 consecutive bases within chr10:77,980,148-77,980,151 gives the same sequence; the c. name uses the placement nearest the transcript's 3' end. VCF-style (leftmost placement, unchanged base first): chr10-77980147-CAG-C. GRCh37 (hg19) VCF-style: chr10-79739905-CAG-C.
Other names: short protein forms S1339fs.
Identifiers: ClinVar variation 3373575 (VCV003373575.1).
Genomic context (GRCh38, chr10:77,980,147, plus strand): 5'-CTATTTGTAAATAGTAAAGGCCTTTGATGCTGTTCATAGAAACATCAAACCTACCACACA[CAG>C]AGTCCTTCTGCCCGAAGTAGGCAGCGTCAAAGAGATGGTCAGCCGTCTTCTCAAAGGAGG-3'